The following is an entry in ClinVar:

ClinVar aggregate classification (germline): Uncertain significance (1 of 4 stars; one submission).

gnomAD v4.1: 1 of 1,613,898 alleles (0.000062%); highest among the groups gnomAD compares: Non-Finnish European, 0.000085%; no homozygotes.

Submission:

Labcorp Genetics (formerly Invitae), Labcorp
Classification: Uncertain significance. Last evaluated: 2022-03-29. Review status: criteria provided, single submitter. Criteria: Invitae Variant Classification Sherloc (09022015). Collection method: clinical testing. Allele origin: germline.
Comment: In summary, the available evidence is currently insufficient to determine the role of this variant in disease. Therefore, it has been classified as a Variant of Uncertain Significance. Advanced modeling of protein sequence and biophysical properties (such as structural, functional, and spatial information, amino acid conservation, physicochemical variation, residue mobility, and thermodynamic stability) performed at Invitae indicates that this missense variant is expected to disrupt CNGA3 protein function. This variant has not been reported in the literature in individuals affected with CNGA3-related conditions. This variant is not present in population databases (gnomAD no frequency). This sequence change replaces valine, which is neutral and non-polar, with leucine, which is neutral and non-polar, at codon 472 of the CNGA3 protein (p.Val472Leu).

NM_001298.3(CNGA3):c.1414G>C (p.Val472Leu)

Gene: CNGA3 (cyclic nucleotide gated channel subunit alpha 3; plus strand). Cytogenetic location: 2q11.2.
Variant type: single nucleotide variant.
Coding change: c.1414G>C on transcript NM_001298.3 (MANE Select); coding-DNA position 1414, G replaced by C.
Protein change: p.Val472Leu; replaces valine 472 with leucine.
Molecular consequence: missense variant.
Genome position (GRCh38, 1-based): chr2:98,396,584, G>C. VCF-style: chr2-98396584-G-C. GRCh37 (hg19) VCF-style: chr2-99013047-G-C.
Other names: c.1360G>C, p.Val454Leu (NM_001079878.2); short protein forms V454L, V472L.
Identifiers: ClinVar variation 1921641 (VCV001921641.5), dbSNP rs772806640, ClinGen allele CA347833511.
Genomic context (GRCh38, chr2:98,396,584, plus strand): 5'-GATGAGAAGGAGGTGCTCAAGAGCCTCCCAGACAAGCTGAAGGCTGAGATCGCCATCAAC[G>C]TGCACCTGGACACGCTGAAGAAGGTTCGCATCTTCCAGGACTGTGAGGCAGGGCTGCTGG-3'
Protein context (NP_001289.1, residues 462-482): DKLKAEIAIN[Val472Leu]HLDTLKKVRI